The following is an entry in ClinVar:

ClinVar aggregate classification (germline): Uncertain significance. Review status: criteria provided, multiple submitters, no conflicts (2 of 4 stars). 3 submissions from 3 submitters: Uncertain significance (2). 1 of the submissions does not count toward it. Last evaluated 2025-06-09.

Conditions:
FLCN-related disorder. Also called: FLCN-related condition.
Hereditary cancer-predisposing syndrome. Also called: Tumor predisposition; Neoplastic Syndromes, Hereditary; Hereditary Cancer Syndrome; Hereditary neoplastic syndrome. Identifiers: Orphanet 140162, MedGen C0027672, MeSH D009386, MONDO:0015356.
Birt-Hogg-Dube syndrome. Also called: Birt Hogg Dubé syndrome. Identifiers: Orphanet 122, MedGen C0346010, MONDO:0800444.

Allele frequency attached by ClinVar (database versions not stated): gnomAD exomes below 0.00001; gnomAD 0.00001; TOPMed 0.00001.
gnomAD v4.1: 3 of 1,613,220 alleles (0.00019%); highest among the groups gnomAD compares: Non-Finnish European, 0.00025%; no homozygotes.

Submissions (3):

Labcorp Genetics (formerly Invitae), Labcorp
Classification: Uncertain significance for Birt-Hogg-Dube syndrome. Last evaluated: 2025-06-09. Review status: criteria provided, single submitter. Criteria: Invitae Variant Classification Sherloc (09022015). Collection method: clinical testing. Allele origin: germline.
Comment: This sequence change replaces alanine, which is neutral and non-polar, with threonine, which is neutral and polar, at codon 204 of the FLCN protein (p.Ala204Thr). This variant is present in population databases (no rsID available, gnomAD 0.002%). This variant has not been reported in the literature in individuals affected with FLCN-related conditions. ClinVar contains an entry for this variant (Variation ID: 485610). Invitae Evidence Modeling of protein sequence and biophysical properties (such as structural, functional, and spatial information, amino acid conservation, physicochemical variation, residue mobility, and thermodynamic stability) indicates that this missense variant is not expected to disrupt FLCN protein function with a negative predictive value of 80%. In summary, the available evidence is currently insufficient to determine the role of this variant in disease. Therefore, it has been classified as a Variant of Uncertain Significance.

Ambry Genetics
Classification: Uncertain significance for Hereditary cancer-predisposing syndrome. Last evaluated: 2024-04-26. Review status: criteria provided, single submitter. Criteria: Ambry Variant Classification Scheme 2023. Collection method: clinical testing. Allele origin: germline.
Comment: The p.A204T variant (also known as c.610G>A), located in coding exon 3 of the FLCN gene, results from a G to A substitution at nucleotide position 610. The alanine at codon 204 is replaced by threonine, an amino acid with similar properties. This amino acid position is highly conserved in available vertebrate species. In addition, this alteration is predicted to be deleterious by in silico analysis. Since supporting evidence is limited at this time, the clinical significance of this alteration remains unclear.

PreventionGenetics, part of Exact Sciences
Classification: Uncertain significance for FLCN-related condition. Last evaluated: 2023-11-27. Review status: no assertion criteria provided. Collection method: clinical testing. Allele origin: germline. Not counted in ClinVar's aggregate classification.
Comment: The FLCN c.610G>A variant is predicted to result in the amino acid substitution p.Ala204Thr. To our knowledge, this variant has not been reported in the literature. This variant is reported in 0.0016% of alleles in individuals of European (Non-Finnish) descent in gnomAD. It is interpreted as uncertain significance in ClinVar. At this time, the clinical significance of this variant is uncertain due to the absence of conclusive functional and genetic evidence.

NM_144997.7(FLCN):c.610G>A (p.Ala204Thr)

Gene: FLCN (folliculin; minus strand). Cytogenetic location: 17p11.2.
Variant type: single nucleotide variant.
Coding change: c.610G>A on transcript NM_144997.7 (MANE Select); coding-DNA position 610, G replaced by A.
Protein change: p.Ala204Thr; replaces alanine 204 with threonine.
Molecular consequence: missense variant.
Genome position (GRCh38, 1-based): chr17:17,223,930, C>T on the plus strand (G>A on the coding strand, the complement: FLCN is on the minus strand). VCF-style: chr17-17223930-C-T. GRCh37 (hg19) VCF-style: chr17-17127244-C-T.
Other names: c.610G>A (LRG_325t1); c.664G>A, p.Ala222Thr (NM_001353229.2); c.610G>A, p.Ala204Thr (NM_001353230.2, NM_001353231.2, NM_144606.7); short protein forms A204T, A222T.
Identifiers: ClinVar variation 485610 (VCV000485610.15), dbSNP rs1456509027, ClinGen allele CA398534186.